The following is an entry in ClinVar:

NM_025074.7(FRAS1):c.1071+1G>T

Gene: FRAS1 (Fraser extracellular matrix complex subunit 1; plus strand). Cytogenetic location: 4q21.21.
Variant type: single nucleotide variant.
Coding change: c.1071+1G>T on transcript NM_025074.7 (MANE Select); the canonical splice donor site of the intron after coding-DNA position 1071, G replaced by T.
Molecular consequence: splice donor variant.
Genome position (GRCh38, 1-based): chr4:78,278,745, G>T. VCF-style: chr4-78278745-G-T. GRCh37 (hg19) VCF-style: chr4-79199899-G-T.
Other names: c.1071+1G>T (NM_001166133.2).
Identifiers: ClinVar variation 2795318 (VCV002795318.3), dbSNP rs1252682157, ClinGen allele CA357365431.

ClinVar aggregate classification (germline): Likely pathogenic (1 of 4 stars; one submission).

gnomAD v4.1: 3 of 1,536,802 alleles (0.0002%); highest among the groups gnomAD compares: Non-Finnish European, 0.00027%; no homozygotes.

Submission:

Labcorp Genetics (formerly Invitae), Labcorp
Classification: Likely pathogenic. Last evaluated: 2023-09-10. Review status: criteria provided, single submitter. Criteria: Invitae Variant Classification Sherloc (09022015). Collection method: clinical testing. Allele origin: germline.
Comment: This sequence change affects a donor splice site in intron 10 of the FRAS1 gene. It is expected to disrupt RNA splicing. Variants that disrupt the donor or acceptor splice site typically lead to a loss of protein function (PMID: 16199547), and loss-of-function variants in FRAS1 are known to be pathogenic (PMID: 12766769, 18671281). This variant is present in population databases (no rsID available, gnomAD 0.002%). This variant has not been reported in the literature in individuals affected with FRAS1-related conditions. Algorithms developed to predict the effect of sequence changes on RNA splicing suggest that this variant may disrupt the consensus splice site. In summary, the currently available evidence indicates that the variant is pathogenic, but additional data are needed to prove that conclusively. Therefore, this variant has been classified as Likely Pathogenic.

Literature cited by the submitters: PubMed 16199547; PubMed 12766769; PubMed 18671281.